The following is an entry in ClinVar:

ClinVar aggregate classification (germline): Pathogenic/Likely pathogenic. Review status: criteria provided, multiple submitters, no conflicts (2 of 4 stars). 5 submissions from 4 submitters: Pathogenic (2); Likely pathogenic (3). Last evaluated 2026-01-28.

Conditions:
Pontocerebellar hypoplasia type 1A (PCH1A). Also called: PONTOCEREBELLAR HYPOPLASIA WITH ANTERIOR HORN CELL DISEASE; PONTOCEREBELLAR HYPOPLASIA WITH INFANTILE SPINAL MUSCULAR ATROPHY. Identifiers: Orphanet 2254, Orphanet 88616, MedGen C1843504, MONDO:0011866, OMIM 607596.
Neuronopathy, distal hereditary motor, autosomal recessive 10 (HMNR10). Also called: NEUROPATHY, DISTAL HEREDITARY MOTOR, AUTOSOMAL RECESSIVE 10; VRK1-RELATED MOTOR NEURON DISEASE. Identifiers: MedGen C5882703, MONDO:0957876, OMIM 620542.

Allele frequency attached by ClinVar (database versions not stated): gnomAD exomes 0.00002 and 0.00003; gnomAD 0.00003; TOPMed 0.00003; ExAC 0.00004; ESP Exome Variant Server 0.00008.
gnomAD v4.1: 38 of 1,613,584 alleles (0.0024%); highest among the groups gnomAD compares: Admixed American, 0.0083%; no homozygotes.

Submissions (5):

Labcorp Genetics (formerly Invitae), Labcorp
Classification: Pathogenic for Pontocerebellar hypoplasia type 1A. Last evaluated: 2026-01-28. Review status: criteria provided, single submitter. Criteria: Invitae Variant Classification Sherloc (09022015). Collection method: clinical testing. Allele origin: germline.
Comment: This sequence change replaces histidine, which is basic and polar, with arginine, which is basic and polar, at codon 119 of the VRK1 protein (p.His119Arg). This variant is present in population databases (rs371295780, gnomAD 0.01%). This missense change has been observed in individual(s) with adult onset distal spinal muscular atrophy (PMID: 26583493, 27281532). In at least one individual the data is consistent with being in trans (on the opposite chromosome) from a pathogenic variant. It has also been observed to segregate with disease in related individuals. ClinVar contains an entry for this variant (Variation ID: 209204). An algorithm developed to predict the effect of missense changes on protein structure and function (PolyPhen-2) suggests that this variant is likely to be disruptive. Experimental studies have shown that this missense change affects VRK1 function (PMID: 31527692). For these reasons, this variant has been classified as Pathogenic.

Natera, Inc.
Classification: Likely pathogenic for Pontocerebellar hypoplasia, type 1a. Last evaluated: 2025-06-30. Review status: criteria provided, single submitter. Criteria: Natera Variant Classification Schema (03/2026). Collection method: clinical testing. Allele origin: germline.
Comment: The c.356A>G variant in VRK1 is a missense variant predicted to cause substitution of histidine to arginine at amino acid 119. This variant is rare in the general population with a frequency below the threshold expected for the associated phenotype(s). This variant has been observed in one or more individuals affected with the associated recessive disease, as either homozygous or compound heterozygous with a second variant (PMID: 27281532). This variant has been observed to segregate in affected family members (PMID: 27281532). Functional studies show that this variant may disrupt protein function (PMID: 38554151). Computational prediction algorithms indicate this variant is likely to affect gene or protein function. Given the available evidence, this variant is classified as Likely Pathogenic.

Fulgent Genetics
Classification: Likely pathogenic for Pontocerebellar hypoplasia type 1A; Neuronopathy, distal hereditary motor, autosomal recessive 10. Last evaluated: 2024-02-22. Review status: criteria provided, single submitter. Criteria: ACMG Guidelines, 2015. Collection method: clinical testing. Allele origin: germline.

GeneDx
Classification: Pathogenic. Last evaluated: 2023-08-03. Review status: criteria provided, single submitter. Criteria: GeneDx Variant Classification Process June 2021. Collection method: clinical testing. Allele origin: germline. Affected: yes.
Comment: Published functional studies demonstrate reduced kinase activity (Martin-Doncel et al., 2019); In silico analysis supports that this missense variant has a deleterious effect on protein structure/function; Missense variants in this gene are often considered pathogenic (HGMD); Not observed at significant frequency in large population cohorts (gnomAD); This variant is associated with the following publications: (PMID: 26633545, 35641352, 31090908, 26583493, 27281532, 37257665, 34169149, 31589614, RodriguezHrnandez2023[abstract], 31527692)

Fulgent Genetics
Classification: Likely pathogenic for Pontocerebellar hypoplasia type 1A. Last evaluated: 2018-10-31. Review status: criteria provided, single submitter. Criteria: ACMG Guidelines, 2015. Collection method: clinical testing. Allele origin: unknown.

Literature cited by the submitters: PubMed 26583493 (cited by Labcorp Genetics (formerly Invitae), Labcorp); PubMed 27281532 (cited by Labcorp Genetics (formerly Invitae), Labcorp and Natera, Inc.); PubMed 31527692 (cited by Labcorp Genetics (formerly Invitae), Labcorp); PubMed 38554151 (cited by Natera, Inc.).

NM_003384.3(VRK1):c.356A>G (p.His119Arg)

Gene: VRK1 (VRK serine/threonine kinase 1; plus strand). Cytogenetic location: 14q32.2.
Variant type: single nucleotide variant.
Coding change: c.356A>G on transcript NM_003384.3 (MANE Select); coding-DNA position 356, A replaced by G.
Protein change: p.His119Arg; replaces histidine 119 with arginine.
Molecular consequence: missense variant.
Genome position (GRCh38, 1-based): chr14:96,847,326, A>G. VCF-style: chr14-96847326-A-G. GRCh37 (hg19) VCF-style: chr14-97313663-A-G.
Other names: short protein forms H119R.
Identifiers: ClinVar variation 209204 (VCV000209204.17), dbSNP rs371295780, ClinGen allele CA250404.